The following is an entry in ClinVar:

NM_000059.4(BRCA2):c.8117A>G (p.Asn2706Ser)

Gene: BRCA2 (BRCA2 DNA repair associated; plus strand). Cytogenetic location: 13q13.1.
Variant type: single nucleotide variant.
Coding change: c.8117A>G on transcript NM_000059.4 (MANE Select); coding-DNA position 8117, A replaced by G.
Protein change: p.Asn2706Ser; replaces asparagine 2706 with serine.
Molecular consequence: missense variant.
Genome position (GRCh38, 1-based): chr13:32,363,319, A>G. VCF-style: chr13-32363319-A-G. GRCh37 (hg19) VCF-style: chr13-32937456-A-G.
Other names: 8345A>G; short protein forms N2706S.
Identifiers: ClinVar variation 38139 (VCV000038139.63), dbSNP rs80359055, ClinGen allele CA025459.

ClinVar aggregate classification (germline): Conflicting classifications of pathogenicity. Review status: criteria provided, conflicting classifications (1 of 4 stars). 18 submissions from 18 submitters: Uncertain significance (3); Benign (3); Likely benign (7). 5 of the submissions do not count toward it. Last evaluated 2026-01-13.

Conditions:
BRCA2-related cancer predisposition. Identifiers: MedGen CN377758, MONDO:0700269.
Breast and/or ovarian cancer. Identifiers: MedGen CN221562.
Hereditary cancer-predisposing syndrome. Also called: Neoplastic Syndromes, Hereditary; Tumor predisposition; Hereditary Cancer Syndrome; Hereditary neoplastic syndrome. Identifiers: Orphanet 140162, MedGen C0027672, MeSH D009386, MONDO:0015356.
Chordoma. Identifiers: Orphanet 178, MedGen C0008487, MONDO:0008978, HP:0010762.
Hereditary breast ovarian cancer syndrome. Also called: Hereditary breast and ovarian cancer; Breast and ovarian cancer; Hereditary breast and/or ovarian cancer syndrome; Hereditary breast and ovarian cancer syndrome (HBOC); Hereditary breast and ovarian cancer syndrome; BRCA1- and BRCA2-Associated Hereditary Breast and Ovarian Cancer. Identifiers: Orphanet 145, MedGen C0677776, MeSH D061325, MONDO:0003582. Disease mechanism: loss of function.
Breast-ovarian cancer, familial, susceptibility to, 2 (BROVCA2). Also called: BRCA2 Hereditary Breast and Ovarian Cancer. Identifiers: Orphanet 145, MedGen C2675520, MONDO:0012933, OMIM 612555. Disease mechanism: loss of function.

Allele frequency attached by ClinVar (database versions not stated): gnomAD 0.00001 and 0.00004; TOPMed 0.00001; gnomAD exomes 0.00003 and 0.00007; ExAC 0.00010; 1000 Genomes Project 30x 0.00062; 1000 Genomes Project 0.00080.
gnomAD v4.1: 50 of 1,614,228 alleles (0.0031%); highest among the groups gnomAD compares: Middle Eastern, 0.099%; 1 homozygote.

Submissions (18):

Labcorp Genetics (formerly Invitae), Labcorp
Classification: Benign for Hereditary breast ovarian cancer syndrome. Last evaluated: 2026-01-13. Review status: criteria provided, single submitter. Criteria: Invitae Variant Classification Sherloc (09022015). Collection method: clinical testing. Allele origin: germline.

Women's Health and Genetics/Laboratory Corporation of America, LabCorp
Classification: Likely benign. Last evaluated: 2025-09-19. Review status: criteria provided, single submitter. Criteria: LabCorp Variant Classification Summary - May 2015. Collection method: clinical testing. Allele origin: germline.
Comment: Variant summary: BRCA2 c.8117A>G (p.Asn2706Ser) results in a conservative amino acid change located in the BRCA2, OB1 domain (IPR015187) of the encoded protein sequence. Algorithms developed to predict the effect of missense changes on protein structure and function all suggest that this variant is likely to be tolerated. The variant allele was found at a frequency of 7.2e-05 in 251544 control chromosomes, predominantly at a frequency of 0.00052 within the South Asian subpopulation in the gnomAD database. This frequency is not significantly higher than estimated for disease-causing variants in BRCA2, allowing no conclusion about variant significance. c.8117A>G has been reported in the literature in individuals affected with Hereditary Breast and Ovarian Cancer, without strong evidence for causality (Saxena_2002, Yassaee_2002, Azzollini_2016, Shah_2018, Dorling_2021). In a large study evaluating breast cancer cases and controls in the Breast Cancer Association Consortium (BCAC), the variant was reported in 6/60466 cases and 4/53461 controls (Dorling_2021 through LOVD). These data do not allow any conclusion about variant significance. At-least two co-occurrences with other pathogenic variants have been reported (BRCA1 4476+2T>C from Saxena_2002; unspecified pathogenic mutation from Azzollini_2016), providing supporting evidence for a benign role. To our knowledge, no experimental evidence demonstrating an impact on protein function has been reported. The following publications have been ascertained in the context of this evaluation (PMID: 27062684, 33471991, 19043619, 12442273, 29785135, 12100744). ClinVar contains an entry for this variant (Variation ID: 38139). Based on the evidence outlined above, the variant was classified as likely benign.

Quest Diagnostics Nichols Institute San Juan Capistrano
Classification: Likely benign. Last evaluated: 2025-04-22. Review status: criteria provided, single submitter. Criteria: Quest Diagnostics criteria. Collection method: clinical testing. Allele origin: unknown.

Center for Genomic Medicine, Rigshospitalet, Copenhagen University Hospital
Classification: Uncertain significance. Last evaluated: 2025-03-04. Review status: criteria provided, single submitter. Criteria: ACMG Guidelines, 2015. Collection method: clinical testing. Allele origin: germline.

Department of Pathology and Laboratory Medicine, Sinai Health System
Classification: Benign for BRCA2-related cancer predisposition. Last evaluated: 2024-09-16. Review status: criteria provided, single submitter. Criteria: ACMG Guidelines, 2015. Collection method: clinical testing. Allele origin: germline. Affected: no.

Blueprint Genetics
Classification: Likely benign. Last evaluated: 2024-07-22. Review status: criteria provided, single submitter. Criteria: ACMG Guidelines, 2015. Collection method: clinical testing. Allele origin: germline.

CeGaT Center for Human Genetics Tuebingen
Classification: Likely benign. Last evaluated: 2024-04-01. Review status: criteria provided, single submitter. Criteria: CeGaT Center For Human Genetics Tuebingen Variant Classification Criteria Version 2. Collection method: clinical testing. Allele origin: germline. Affected: yes. Observed: 3 variant alleles.
Comment: BRCA2: BP4

Sema4
Classification: Likely benign for Hereditary cancer-predisposing syndrome. Last evaluated: 2020-10-09. Review status: criteria provided, single submitter. Criteria: Sema4 Curation Guidelines. Collection method: curation. Allele origin: germline.

CHEO Genetics Diagnostic Laboratory, Children's Hospital of Eastern Ontario
Classification: Uncertain significance for Breast and/or ovarian cancer. Last evaluated: 2020-05-07. Review status: criteria provided, single submitter. Criteria: ACMG Guidelines, 2015. Collection method: clinical testing. Allele origin: germline.

Ambry Genetics
Classification: Likely benign for Hereditary cancer-predisposing syndrome. Last evaluated: 2019-01-31. Review status: criteria provided, single submitter. Criteria: Ambry Variant Classification Scheme 2023. Collection method: clinical testing. Allele origin: germline.

Genomic Research Center, Shahid Beheshti University of Medical Sciences
Classification: Uncertain significance for Breast-ovarian cancer, familial, susceptibility to, 2. Last evaluated: 2017-12-03. Review status: criteria provided, single submitter. Criteria: ACMG Guidelines, 2015. Collection method: clinical testing. Allele origin: inherited. Affected: yes.

GeneDx
Classification: Likely benign. Last evaluated: 2017-10-04. Review status: criteria provided, single submitter. Criteria: GeneDx Variant Classification (06012015). Collection method: clinical testing. Allele origin: germline. Affected: yes.
Comment: This variant is considered likely benign or benign based on one or more of the following criteria: it is a conservative change, it occurs at a poorly conserved position in the protein, it is predicted to be benign by multiple in silico algorithms, and/or has population frequency not consistent with disease.

Color Diagnostics, LLC DBA Color Health
Classification: Benign for Hereditary cancer-predisposing syndrome. Last evaluated: 2017-03-27. Review status: criteria provided, single submitter. Criteria: ACMG Guidelines, 2015. Collection method: clinical testing. Allele origin: germline.

Integrative Tumor Epidemiology Branch, National Institutes of Health
Classification: Uncertain significance for Chordoma. Last evaluated: 2021-03-22. Review status: no assertion criteria provided. Collection method: research. Allele origin: germline. Affected: yes. Observed: 1 variant allele. Not counted in ClinVar's aggregate classification.
Comment: No impact on ES cell survival or drug sensitivity (no impact on BRCA2 function)

BRCAlab, Lund University
Classification: Likely benign for Breast-ovarian cancer, familial, susceptibility to, 2. Last evaluated: 2020-03-02. Review status: no assertion criteria provided. Collection method: clinical testing. Allele origin: germline. Affected: yes. Not counted in ClinVar's aggregate classification.

Counsyl
Classification: Uncertain significance for Breast-ovarian cancer, familial, susceptibility to, 2. Last evaluated: 2017-10-17. Review status: no assertion criteria provided. Collection method: clinical testing. Allele origin: unknown. Not counted in ClinVar's aggregate classification.

Sharing Clinical Reports Project (SCRP)
Classification: Benign for Breast-ovarian cancer, familial 2. Last evaluated: 2012-05-01. Review status: no assertion criteria provided. Collection method: clinical testing. Allele origin: germline. Not counted in ClinVar's aggregate classification.

Breast Cancer Information Core (BIC) (BRCA2)
Classification: Uncertain significance for Breast-ovarian cancer, familial 2. Last evaluated: 2002-05-29. Review status: no assertion criteria provided. Collection method: clinical testing. Allele origin: germline. Affected: yes. Observed: 8 variant alleles. Not counted in ClinVar's aggregate classification.

Literature cited by the submitters: PubMed 19043619 (cited by 4 submitters); PubMed 12100744 (cited by 5 submitters); PubMed 12442273 (cited by 6 submitters); PubMed 29785135 (cited by 3 submitters); PubMed 27062684 (cited by 5 submitters); PubMed 33471991 (cited by 3 submitters); PubMed 31131967 (cited by Quest Diagnostics Nichols Institute San Juan Capistrano); PubMed 31753525 (cited by Quest Diagnostics Nichols Institute San Juan Capistrano); PubMed 38538877 (cited by Quest Diagnostics Nichols Institute San Juan Capistrano); PubMed 36531003 (cited by Quest Diagnostics Nichols Institute San Juan Capistrano); PubMed 26109977 (cited by 3 submitters); PubMed 17018160 (cited by Quest Diagnostics Nichols Institute San Juan Capistrano and Ambry Genetics).